The following is an entry in ClinVar:

ClinVar aggregate classification (germline): Likely benign. Review status: criteria provided, multiple submitters, no conflicts (2 of 4 stars). 2 submissions from 2 submitters: Likely benign (2). Last evaluated 2025-08-22.

Allele frequency attached by ClinVar (database versions not stated): TOPMed 0.00002; ExAC 0.00003; gnomAD exomes 0.00004.
gnomAD v4.1: 11 of 1,585,304 alleles (0.00069%); highest among the groups gnomAD compares: East Asian, 0.025%; no homozygotes.

Submissions (2):

Labcorp Genetics (formerly Invitae), Labcorp
Classification: Likely benign. Last evaluated: 2025-08-22. Review status: criteria provided, single submitter. Criteria: Invitae Variant Classification Sherloc (09022015). Collection method: clinical testing. Allele origin: germline.

GeneDx
Classification: Likely benign. Last evaluated: 2018-05-23. Review status: criteria provided, single submitter. Criteria: GeneDx Variant Classification (06012015). Collection method: clinical testing. Allele origin: germline. Affected: yes.
Comment: This variant is considered likely benign or benign based on one or more of the following criteria: it is a conservative change, it occurs at a poorly conserved position in the protein, it is predicted to be benign by multiple in silico algorithms, and/or has population frequency not consistent with disease.

NM_015340.4(LARS2):c.517-4G>A

Gene: LARS2 (leucyl-tRNA synthetase 2, mitochondrial; plus strand). Cytogenetic location: 3p21.31.
Variant type: single nucleotide variant.
Coding change: c.517-4G>A on transcript NM_015340.4 (MANE Select); 4 bases into the intron before coding-DNA position 517, G replaced by A.
Molecular consequence: intron variant.
Genome position (GRCh38, 1-based): chr3:45,446,887, G>A. VCF-style: chr3-45446887-G-A. GRCh37 (hg19) VCF-style: chr3-45488379-G-A.
Other names: c.517-4G>A (NM_001368263.1).
Identifiers: ClinVar variation 679614 (VCV000679614.3), dbSNP rs756497084, ClinGen allele CA2349347.
Genomic context (GRCh38, chr3:45,446,887, plus strand): 5'-GAGCATGCATGGCTGGGGGGATGTTTATAATGGCCTGTACATTATTTTTCTTCTTTGTTG[G>A]CAGGAAATAACTACGTGTTTGCCAGATTACTACAAGTGGACTCAGTATCTCTTTATTAAA-3'